The following is an entry in ClinVar:

ClinVar aggregate classification (germline): Uncertain significance. Review status: criteria provided, multiple submitters, no conflicts (2 of 4 stars). 2 submissions from 2 submitters: Uncertain significance (2). Last evaluated 2025-10-12.

Conditions:
Hereditary cancer-predisposing syndrome. Also called: Hereditary neoplastic syndrome; Neoplastic Syndromes, Hereditary; Hereditary Cancer Syndrome; Tumor predisposition. Identifiers: Orphanet 140162, MedGen C0027672, MeSH D009386, MONDO:0015356.
Familial adenomatous polyposis 1 (FAP1). Also called: FAMILIAL ADENOMATOUS POLYPOSIS 1, ATTENUATED; POLYPOSIS, ADENOMATOUS INTESTINAL. Identifiers: MedGen C2713442, MONDO:0021056, OMIM 175100. Disease mechanism: loss of function.

Submissions (2):

Color Diagnostics, LLC DBA Color Health
Classification: Uncertain significance for Hereditary cancer-predisposing syndrome. Last evaluated: 2025-10-12. Review status: criteria provided, single submitter. Criteria: ACMG Guidelines, 2015. Collection method: clinical testing. Allele origin: germline.
Comment: This missense variant replaces threonine with serine at codon 1074 of the APC protein. Computational prediction suggests that this variant may not impact protein structure and function. To our knowledge, functional studies have not been reported for this variant. This variant has not been reported in individuals affected with APC-related disorders in the literature. This variant has not been identified in the general population by the Genome Aggregation Database (gnomAD). The available evidence is insufficient to determine the role of this variant in disease conclusively. Therefore, this variant is classified as a Variant of Uncertain Significance.

Labcorp Genetics (formerly Invitae), Labcorp
Classification: Uncertain significance for Familial adenomatous polyposis 1. Last evaluated: 2022-09-30. Review status: criteria provided, single submitter. Criteria: Invitae Variant Classification Sherloc (09022015). Collection method: clinical testing. Allele origin: germline.
Comment: This variant is not present in population databases (gnomAD no frequency). In summary, the available evidence is currently insufficient to determine the role of this variant in disease. Therefore, it has been classified as a Variant of Uncertain Significance. Advanced modeling of protein sequence and biophysical properties (such as structural, functional, and spatial information, amino acid conservation, physicochemical variation, residue mobility, and thermodynamic stability) performed at Invitae indicates that this missense variant is not expected to disrupt APC protein function. This variant has not been reported in the literature in individuals affected with APC-related conditions. This sequence change replaces threonine, which is neutral and polar, with serine, which is neutral and polar, at codon 1074 of the APC protein (p.Thr1074Ser).

NM_000038.6(APC):c.3220A>T (p.Thr1074Ser)

Gene: APC (APC regulator of Wnt signaling pathway; plus strand). Cytogenetic location: 5q22.2.
Variant type: single nucleotide variant.
Coding change: c.3220A>T on transcript NM_000038.6 (MANE Select); coding-DNA position 3220, A replaced by T.
Protein change: p.Thr1074Ser; replaces threonine 1074 with serine.
Molecular consequence: missense variant.
Genome position (GRCh38, 1-based): chr5:112,838,814, A>T. VCF-style: chr5-112838814-A-T. GRCh37 (hg19) VCF-style: chr5-112174511-A-T.
Other names: c.3220A>T, p.Thr1074Ser (NM_001127510.3, NM_001354895.2, NM_001407450.1); c.3166A>T, p.Thr1056Ser (NM_001127511.3); c.3274A>T, p.Thr1092Ser (NM_001354896.2, NM_001407447.1, NM_001407448.1 and 1 more transcripts); c.3250A>T, p.Thr1084Ser (NM_001354897.2); c.3145A>T, p.Thr1049Ser (NM_001354898.2); c.3136A>T, p.Thr1046Ser (NM_001354899.2); c.3097A>T, p.Thr1033Ser (NM_001354900.2); c.3043A>T, p.Thr1015Ser (NM_001354901.2, NM_001407453.1); and 11 more; short protein forms T1015S, T1033S, T1046S, T1049S, T1056S, T1064S, T1067S, T1074S.
Identifiers: ClinVar variation 1720698 (VCV001720698.7), dbSNP rs962456431, ClinGen allele CA16028398.